The following is an entry in ClinVar:

ClinVar aggregate classification (germline): Uncertain significance. Review status: criteria provided, multiple submitters, no conflicts (2 of 4 stars). 2 submissions from 2 submitters: Uncertain significance (2). Last evaluated 2022-11-10.

Conditions:
Hereditary cancer-predisposing syndrome. Also called: Neoplastic Syndromes, Hereditary; Hereditary Cancer Syndrome; Hereditary neoplastic syndrome; Tumor predisposition. Identifiers: Orphanet 140162, MedGen C0027672, MeSH D009386, MONDO:0015356.

Submissions (2):

Labcorp Genetics (formerly Invitae), Labcorp
Classification: Uncertain significance. Last evaluated: 2022-11-10. Review status: criteria provided, single submitter. Criteria: Invitae Variant Classification Sherloc (09022015). Collection method: clinical testing. Allele origin: germline.
Comment: This sequence change replaces glutamic acid, which is acidic and polar, with glutamine, which is neutral and polar, at codon 1969 of the POLE protein (p.Glu1969Gln). This variant is not present in population databases (gnomAD no frequency). This variant has not been reported in the literature in individuals affected with POLE-related conditions. ClinVar contains an entry for this variant (Variation ID: 1060113). Algorithms developed to predict the effect of missense changes on protein structure and function (SIFT, PolyPhen-2, Align-GVGD) all suggest that this variant is likely to be tolerated. In summary, the available evidence is currently insufficient to determine the role of this variant in disease. Therefore, it has been classified as a Variant of Uncertain Significance.

Ambry Genetics
Classification: Uncertain significance for Hereditary cancer-predisposing syndrome. Last evaluated: 2021-07-12. Review status: criteria provided, single submitter. Criteria: Ambry Variant Classification Scheme 2023. Collection method: clinical testing. Allele origin: germline.
Comment: The p.E1969Q variant (also known as c.5905G>C), located in coding exon 43 of the POLE gene, results from a G to C substitution at nucleotide position 5905. The glutamic acid at codon 1969 is replaced by glutamine, an amino acid with highly similar properties. This amino acid position is conserved. In addition, this alteration is predicted to be tolerated by in silico analysis. Since supporting evidence is limited at this time, the clinical significance of this alteration remains unclear.

NM_006231.4(POLE):c.5905G>C (p.Glu1969Gln)

Gene: POLE (DNA polymerase epsilon, catalytic subunit; minus strand). Cytogenetic location: 12q24.33.
Variant type: single nucleotide variant.
Coding change: c.5905G>C on transcript NM_006231.4 (MANE Select); coding-DNA position 5905, G replaced by C.
Protein change: p.Glu1969Gln; replaces glutamic acid 1969 with glutamine.
Molecular consequence: missense variant.
Genome position (GRCh38, 1-based): chr12:132,634,285, C>G on the plus strand (G>C on the coding strand, the complement: POLE is on the minus strand). VCF-style: chr12-132634285-C-G. GRCh37 (hg19) VCF-style: chr12-133210871-C-G.
Other names: short protein forms E1969Q.
Identifiers: ClinVar variation 1060113 (VCV001060113.11), dbSNP rs2138474442, ClinGen allele CA387371624.